The following is an entry in ClinVar:

ClinVar aggregate classification (germline): Uncertain significance (1 of 4 stars; one submission).

Conditions:
Neuronopathy, distal hereditary motor, autosomal recessive 5. Also called: Spinal muscular atrophy, distal, autosomal recessive, 5; Young adult-onset distal hereditary motor neuropathy; NEUROPATHY, DISTAL HEREDITARY MOTOR, AUTOSOMAL RECESSIVE 5. Identifiers: Orphanet 314485, Orphanet 443950, MedGen C4749918, MONDO:0013947, OMIM 614881.

Submission:

Labcorp Genetics (formerly Invitae), Labcorp
Classification: Uncertain significance for Neuronopathy, distal hereditary motor, autosomal recessive 5. Last evaluated: 2020-02-21. Review status: criteria provided, single submitter. Criteria: Invitae Variant Classification Sherloc (09022015). Collection method: clinical testing. Allele origin: germline.
Comment: This variant has not been reported in the literature in individuals with DNAJB2-related conditions. In summary, the available evidence is currently insufficient to determine the role of this variant in disease. Therefore, it has been classified as a Variant of Uncertain Significance. Nucleotide substitutions within the consensus splice site are a relatively common cause of aberrant splicing (PMID: 17576681, 9536098). Algorithms developed to predict the effect of sequence changes on RNA splicing suggest that this variant may disrupt the consensus splice site, but this prediction has not been confirmed by published transcriptional studies. This variant is not present in population databases (ExAC no frequency). This sequence change affects a donor splice site in the last intron (intron 9) of the DNAJB2 gene. While this is not anticipated to result in nonsense mediated decay, it likely alters RNA splicing and results in a disrupted protein product.

Literature cited by the submitters: PubMed 17576681; PubMed 9536098.

NM_006736.6(DNAJB2):c.825T>A (p.Gly275=)

Gene: DNAJB2 (DnaJ heat shock protein family (Hsp40) member B2; plus strand). Cytogenetic location: 2q35.
Variant type: single nucleotide variant.
Coding change: c.825T>A on transcript NM_006736.6 (MANE Select); coding-DNA position 825, T replaced by A.
Protein change: p.Gly275=; no amino-acid change (glycine 275 retained).
Molecular consequence: synonymous variant. On other transcripts: splice donor variant (1).
Genome position (GRCh38, 1-based): chr2:219,284,837, T>A. VCF-style: chr2-219284837-T-A. GRCh37 (hg19) VCF-style: chr2-220149559-T-A.
Other names: c.823+2T>A (NM_001039550.2).
Identifiers: ClinVar variation 1020335 (VCV001020335.9), dbSNP rs1574902248, ClinGen allele CA350652726.